The following is an entry in ClinVar:

ClinVar aggregate classification (germline): Uncertain significance (1 of 4 stars; one submission).

gnomAD v4.1: 3 of 1,614,016 alleles (0.00019%); no homozygotes.

Submission:

Labcorp Genetics (formerly Invitae), Labcorp
Classification: Uncertain significance. Last evaluated: 2025-10-09. Review status: criteria provided, single submitter. Criteria: Invitae Variant Classification Sherloc (09022015). Collection method: clinical testing. Allele origin: germline.
Comment: This sequence change replaces methionine, which is neutral and non-polar, with threonine, which is neutral and polar, at codon 232 of the STX16 protein (p.Met232Thr). This variant is not present in population databases (gnomAD no frequency). This variant has not been reported in the literature in individuals affected with STX16-related conditions. Invitae Evidence Modeling of protein sequence and biophysical properties (such as structural, functional, and spatial information, amino acid conservation, physicochemical variation, residue mobility, and thermodynamic stability) indicates that this missense variant is not expected to disrupt STX16 protein function with a negative predictive value of 80%. In summary, the available evidence is currently insufficient to determine the role of this variant in disease. Therefore, it has been classified as a Variant of Uncertain Significance.

NM_001001433.3(STX16):c.695T>C (p.Met232Thr)

Genes: STX16 (syntaxin 16; plus strand), STX16-NPEPL1 (STX16-NPEPL1 readthrough (NMD candidate); plus strand). Cytogenetic location: 20q13.32.
Variant type: single nucleotide variant.
Coding change: c.695T>C on transcript NM_001001433.3 (MANE Select); coding-DNA position 695, T replaced by C.
Protein change: p.Met232Thr; replaces methionine 232 with threonine.
Molecular consequence: missense variant. On other transcripts: non-coding transcript variant (4).
Genome position (GRCh38, 1-based): chr20:58,671,200, T>C. VCF-style: chr20-58671200-T-C. GRCh37 (hg19) VCF-style: chr20-57246256-T-C.
Other names: c.683T>C, p.Met228Thr (NM_001134772.3); c.644T>C, p.Met215Thr (NM_001134773.3); c.536T>C, p.Met179Thr (NM_001204868.2); c.632T>C, p.Met211Thr (NM_003763.6); short protein forms M179T, M228T, M211T, M215T, M232T.
Identifiers: ClinVar variation 4775130 (VCV004775130.1).
Genomic context (GRCh38, chr20:58,671,200, plus strand): 5'-CACTGTCTTGCTAGGGTTTTACAGAGGACCAGTTAGTTCTGGTGGAGCAGAACACACTGA[T>C]GGTGGAAGAGCGGGAACGAGAGATTCGCCAGATTGTACAGTCCATTTCTGACCTGAATGA-3'
Protein context (NP_001001433.1, residues 222-242): QLVLVEQNTL[Met232Thr]VEEREREIRQ